The following is an entry in ClinVar:

ClinVar aggregate classification (germline): Likely pathogenic (1 of 4 stars; one submission).

Conditions:
Nephronophthisis. Also called: Juvenile Nephronophthisis. Identifiers: Orphanet 655, MedGen C0687120, MONDO:0019005, HP:0000090.
Jeune thoracic dystrophy. Also called: Jeune syndrome; Infantile thoracic dystrophy; Thoracic pelvic phalangeal dystrophy; Jeune's syndrome; Chondroectodermal dysplasia-like syndrome; Short-rib thoracic dysplasia. Identifiers: Orphanet 474, MedGen C0265275, MONDO:0018770.

Submission:

Labcorp Genetics (formerly Invitae), Labcorp
Classification: Likely pathogenic for Jeune thoracic dystrophy; Nephronophthisis. Last evaluated: 2024-10-02. Review status: criteria provided, single submitter. Criteria: Invitae Variant Classification Sherloc (09022015). Collection method: clinical testing. Allele origin: germline.
Comment: This sequence change affects an acceptor splice site in intron 21 of the TTC21B gene. It is expected to disrupt RNA splicing. Variants that disrupt the donor or acceptor splice site typically lead to a loss of protein function (PMID: 16199547), and loss-of-function variants in TTC21B are known to be pathogenic (PMID: 18327258, 21068128, 21258341, 23559409, 24876116, 25492405, 27491411, 29068549). This variant is not present in population databases (gnomAD no frequency). This variant has not been reported in the literature in individuals affected with TTC21B-related conditions. Algorithms developed to predict the effect of sequence changes on RNA splicing suggest that this variant may disrupt the consensus splice site. In summary, the currently available evidence indicates that the variant is pathogenic, but additional data are needed to prove that conclusively. Therefore, this variant has been classified as Likely Pathogenic.

Literature cited by the submitters: PubMed 16199547; PubMed 18327258; PubMed 21068128; PubMed 21258341; PubMed 23559409; PubMed 24876116; PubMed 25492405; PubMed 27491411; PubMed 29068549.

NM_024753.5(TTC21B):c.2869-2A>C

Gene: TTC21B (tetratricopeptide repeat domain 21B; minus strand). Cytogenetic location: 2q24.3.
Variant type: single nucleotide variant.
Coding change: c.2869-2A>C on transcript NM_024753.5 (MANE Select); the canonical splice acceptor site of the intron before coding-DNA position 2869, A replaced by C.
Molecular consequence: splice acceptor variant.
Genome position (GRCh38, 1-based): chr2:165,898,769, T>G on the plus strand (A>C on the coding strand, the complement: TTC21B is on the minus strand). VCF-style: chr2-165898769-T-G. GRCh37 (hg19) VCF-style: chr2-166755279-T-G.
Identifiers: ClinVar variation 3759332 (VCV003759332.2).